The following is an entry in ClinVar:

NM_003322.6(TULP1):c.1297G>T (p.Glu433Ter)

Gene: TULP1 (TUB like protein 1; minus strand). Cytogenetic location: 6p21.31.
Variant type: single nucleotide variant.
Coding change: c.1297G>T on transcript NM_003322.6 (MANE Select); coding-DNA position 1297, G replaced by T.
Protein change: p.Glu433Ter; replaces glutamic acid 433 with a stop codon.
Molecular consequence: nonsense.
Genome position (GRCh38, 1-based): chr6:35,503,585, C>A on the plus strand (G>T on the coding strand, the complement: TULP1 is on the minus strand). VCF-style: chr6-35503585-C-A. GRCh37 (hg19) VCF-style: chr6-35471362-C-A.
Other names: c.1138G>T, p.Glu380Ter (NM_001289395.2); short protein forms E380*, E433*.
Identifiers: ClinVar variation 2009140 (VCV002009140.4), dbSNP rs74461100, ClinGen allele CA363779077.

ClinVar aggregate classification (germline): Pathogenic (1 of 4 stars; one submission).

Submission:

Labcorp Genetics (formerly Invitae), Labcorp
Classification: Pathogenic. Last evaluated: 2022-06-22. Review status: criteria provided, single submitter. Criteria: Invitae Variant Classification Sherloc (09022015). Collection method: clinical testing. Allele origin: germline.
Comment: For these reasons, this variant has been classified as Pathogenic. This variant has not been reported in the literature in individuals affected with TULP1-related conditions. This variant is not present in population databases (gnomAD no frequency). This sequence change creates a premature translational stop signal (p.Glu433*) in the TULP1 gene. It is expected to result in an absent or disrupted protein product. Loss-of-function variants in TULP1 are known to be pathogenic (PMID: 8606774, 10549638, 15024725, 18055821).

Literature cited by the submitters: PubMed 8606774; PubMed 10549638; PubMed 15024725; PubMed 18055821.